The following is an entry in ClinVar:

ClinVar aggregate classification (germline): Likely benign (1 of 4 stars; one submission).

Conditions:
Hereditary breast ovarian cancer syndrome. Also called: Breast and ovarian cancer; Hereditary breast and/or ovarian cancer syndrome; BRCA1- and BRCA2-Associated Hereditary Breast and Ovarian Cancer; Hereditary breast and ovarian cancer syndrome; Hereditary breast and ovarian cancer syndrome (HBOC); Hereditary breast and ovarian cancer. Identifiers: Orphanet 145, MedGen C0677776, MeSH D061325, MONDO:0003582. Disease mechanism: loss of function.

Submissions (2):

Labcorp Genetics (formerly Invitae), Labcorp
Classification: Likely benign for Hereditary breast ovarian cancer syndrome. Last evaluated: 2023-09-11. Review status: criteria provided, single submitter. Criteria: Invitae Variant Classification Sherloc (09022015). Collection method: clinical testing. Allele origin: germline.

Brotman Baty Institute, University of Washington
No classification provided (evidence only). Condition: Breast-ovarian cancer, familial 1. Review status: no classification provided. Collection method: in vitro. Allele origin: not applicable. Functional consequence: functionally_normal. Not counted in ClinVar's aggregate classification.
ClinVar note: "not provided" was previously submitted as the classification for the variant. However, the classification appeared to be based only on an observation of functional data so it was converted to no classification on 2025-07-30.

NM_007294.4(BRCA1):c.134+13G>A

Gene: BRCA1 (BRCA1 DNA repair associated; minus strand). Cytogenetic location: 17q21.31.
Variant type: single nucleotide variant.
Coding change: c.134+13G>A on transcript NM_007294.4 (MANE Select); 13 bases into the intron after coding-DNA position 134, G replaced by A.
Molecular consequence: intron variant.
Genome position (GRCh38, 1-based): chr17:43,115,713, C>T on the plus strand (G>A on the coding strand, the complement: BRCA1 is on the minus strand). VCF-style: chr17-43115713-C-T. GRCh37 (hg19) VCF-style: chr17-41267730-C-T.
Other names: c.-8+13G>A (NM_001408458.1, NM_001408470.1, NM_001407848.1 and 47 more transcripts); c.-219+9564G>A (NM_001407967.1); c.-170+9564G>A (NM_001407959.1); c.-7-9180G>A (NM_001407931.1, NM_001407747.1, NM_001408511.1 and 2 more transcripts); c.-170+13G>A (NM_001407962.1, NM_001408512.1, NM_001408510.1 and 1 more transcripts); c.-55+13G>A (NM_001407885.1, NM_001407886.1, NM_001408509.1 and 52 more transcripts); c.-124+13G>A (NM_001407746.1, NM_001408468.1, NM_001407842.1 and 13 more transcripts); c.-8+8304G>A (NM_001408461.1, NM_001407738.1, NM_001407932.1 and 23 more transcripts); and 10 more.
Identifiers: ClinVar variation 531464 (VCV000531464.14), dbSNP rs1555599185, ClinGen allele CA658798846.
Genomic context (GRCh38, chr17:43,115,713, plus strand): 5'-TTAGGTGTTTCCTGGGTTATGAAGGACAAAAACAAAAGCTAATAATGGAGCCACATAACA[C>T]ATTCAAACTTACTTGCAAAATATGTGGTCACACTTTGTGGAGACAGGTTCCTTGATCAAC-3'